The following is an entry in ClinVar:

NM_020247.5(COQ8A):c.1132G>A (p.Val378Met)

Gene: COQ8A (coenzyme Q8A; plus strand). Cytogenetic location: 1q42.13.
Variant type: single nucleotide variant.
Coding change: c.1132G>A on transcript NM_020247.5 (MANE Select); coding-DNA position 1132, G replaced by A.
Protein change: p.Val378Met; replaces valine 378 with methionine.
Molecular consequence: missense variant.
Genome position (GRCh38, 1-based): chr1:226,983,603, G>A. VCF-style: chr1-226983603-G-A. GRCh37 (hg19) VCF-style: chr1-227171304-G-A.
Other names: short protein forms V378M.
Identifiers: ClinVar variation 1256282 (VCV001256282.7), dbSNP rs375821684, ClinGen allele CA1425320.

ClinVar aggregate classification (germline): Uncertain significance. Review status: criteria provided, multiple submitters, no conflicts (2 of 4 stars). 2 submissions from 2 submitters: Uncertain significance (2). Last evaluated 2023-11-27.

Allele frequency attached by ClinVar (database versions not stated): TOPMed 0.00002; gnomAD 0.00003; ESP Exome Variant Server 0.00015.
gnomAD v4.1: 65 of 1,613,886 alleles (0.004%); highest among the groups gnomAD compares: African/African-American, 0.0067%; no homozygotes.

Submissions (2):

Labcorp Genetics (formerly Invitae), Labcorp
Classification: Uncertain significance. Last evaluated: 2023-11-27. Review status: criteria provided, single submitter. Criteria: Invitae Variant Classification Sherloc (09022015). Collection method: clinical testing. Allele origin: germline.
Comment: This sequence change replaces valine, which is neutral and non-polar, with methionine, which is neutral and non-polar, at codon 378 of the COQ8A protein (p.Val378Met). This variant is present in population databases (rs375821684, gnomAD 0.01%). This variant has not been reported in the literature in individuals affected with COQ8A-related conditions. ClinVar contains an entry for this variant (Variation ID: 1256282). Advanced modeling of protein sequence and biophysical properties (such as structural, functional, and spatial information, amino acid conservation, physicochemical variation, residue mobility, and thermodynamic stability) has been performed at Invitae for this missense variant, however the output from this modeling did not meet the statistical confidence thresholds required to predict the impact of this variant on COQ8A protein function. In summary, the available evidence is currently insufficient to determine the role of this variant in disease. Therefore, it has been classified as a Variant of Uncertain Significance.

Athena Diagnostics
Classification: Uncertain significance. Last evaluated: 2021-03-22. Review status: criteria provided, single submitter. Criteria: Athena Diagnostics criteria. Collection method: clinical testing. Allele origin: unknown.